The following is an entry in ClinVar:

ClinVar aggregate classification (germline): Conflicting classifications of pathogenicity. Review status: criteria provided, conflicting classifications (1 of 4 stars). 7 submissions from 7 submitters: Uncertain significance (4); Benign (1); Likely benign (1). 1 of the submissions does not count toward it. Last evaluated 2026-01-06.

Conditions:
Hereditary breast ovarian cancer syndrome. Also called: Hereditary breast and ovarian cancer syndrome; Hereditary breast and ovarian cancer; Hereditary breast and ovarian cancer syndrome (HBOC); Breast and ovarian cancer; Hereditary breast and/or ovarian cancer syndrome; BRCA1- and BRCA2-Associated Hereditary Breast and Ovarian Cancer. Identifiers: Orphanet 145, MedGen C0677776, MeSH D061325, MONDO:0003582. Disease mechanism: loss of function.
BRCA2-related cancer predisposition. Identifiers: MedGen CN377758, MONDO:0700269.
Hereditary cancer-predisposing syndrome. Also called: Neoplastic Syndromes, Hereditary; Tumor predisposition; Hereditary neoplastic syndrome; Hereditary Cancer Syndrome. Identifiers: Orphanet 140162, MedGen C0027672, MeSH D009386, MONDO:0015356.
Breast-ovarian cancer, familial, susceptibility to, 2 (BROVCA2). Also called: BRCA2 Hereditary Breast and Ovarian Cancer. Identifiers: Orphanet 145, MedGen C2675520, MONDO:0012933, OMIM 612555. Disease mechanism: loss of function.

Allele frequency attached by ClinVar (database versions not stated): gnomAD exomes below 0.00001.
gnomAD v4.1: 3 of 1,613,922 alleles (0.00019%); highest among the groups gnomAD compares: Admixed American, 0.0017%; no homozygotes.

Submissions (7):

Labcorp Genetics (formerly Invitae), Labcorp
Classification: Uncertain significance for Hereditary breast ovarian cancer syndrome. Last evaluated: 2026-01-06. Review status: criteria provided, single submitter. Criteria: Invitae Variant Classification Sherloc (09022015). Collection method: clinical testing. Allele origin: germline.
Comment: This sequence change replaces methionine, which is neutral and non-polar, with valine, which is neutral and non-polar, at codon 2952 of the BRCA2 protein (p.Met2952Val). This variant is present in population databases (rs397508016, gnomAD 0.003%). This missense change has been observed in individual(s) with breast cancer, ovarian cancer, or prostate cancer (PMID: 12845657, 28477318, 31214711). ClinVar contains an entry for this variant (Variation ID: 52693). Invitae Evidence Modeling of protein sequence and biophysical properties (such as structural, functional, and spatial information, amino acid conservation, physicochemical variation, residue mobility, and thermodynamic stability) indicates that this missense variant is not expected to disrupt BRCA2 protein function with a negative predictive value of 95%. In summary, the available evidence is currently insufficient to determine the role of this variant in disease. Therefore, it has been classified as a Variant of Uncertain Significance.

All of Us Research Program, National Institutes of Health
Classification: Uncertain significance for BRCA2-related cancer predisposition. Last evaluated: 2024-05-14. Review status: criteria provided, single submitter. Criteria: ACMG Guidelines, 2015. Collection method: clinical testing. Allele origin: germline. Inheritance: Autosomal dominant inheritance. Observed: 3 variant alleles, 3 heterozygotes.
Comment: This missense variant replaces methionine with valine at codon 2952 of the BRCA2 protein. Computational prediction suggests that this variant may not impact protein structure and function (internally defined REVEL score threshold <= 0.5, PMID: 27666373). To our knowledge, functional studies have not been reported for this variant. This variant has been detected in two individuals affected with breast cancer (PMID: 12845657, 27886673; Color internal data) and in a prostate cancer case-control study in 1/7636 cases and absent in 12366 unaffected individuals (PMID: 31214711). A multifactorial analysis also has reported a case-control likelihood ratio of pathogenicity of 0.2294 (PMID: 30212499). This variant has been identified in 1/250842 chromosomes in the general population by the Genome Aggregation Database (gnomAD). The available evidence is insufficient to determine the role of this variant in disease conclusively. Therefore, this variant is classified as a Variant of Uncertain Significance.

This study involves interpretation of variants in research participants for the purpose of population health screening. Participant phenotype was not available at the time of variant classification. Additional details can be found in publication PMID: 35346344, PMCID: PMC8962531

Color Diagnostics, LLC DBA Color Health
Classification: Uncertain significance for Hereditary cancer-predisposing syndrome. Last evaluated: 2024-04-23. Review status: criteria provided, single submitter. Criteria: ACMG Guidelines, 2015. Collection method: clinical testing. Allele origin: germline.
Comment: This missense variant replaces methionine with valine at codon 2952 of the BRCA2 protein. Computational prediction suggests that this variant may not impact protein structure and function (internally defined REVEL score threshold <= 0.5, PMID: 27666373). To our knowledge, functional studies have not been reported for this variant. This variant has been detected in two individuals affected with breast cancer (PMID: 12845657, 27886673; Color internal data) and in a prostate cancer case-control study in 1/7636 cases and absent in 12366 unaffected individuals (PMID: 31214711). A multifactorial analysis also has reported a case-control likelihood ratio of pathogenicity of 0.2294 (PMID: 30212499). This variant has been identified in 1/250842 chromosomes in the general population by the Genome Aggregation Database (gnomAD). The available evidence is insufficient to determine the role of this variant in disease conclusively. Therefore, this variant is classified as a Variant of Uncertain Significance.

Mendelics
Classification: Benign for Breast-ovarian cancer, familial, susceptibility to, 2. Last evaluated: 2019-05-28. Review status: criteria provided, single submitter. Criteria: Mendelics Assertion Criteria 2017. Collection method: clinical testing. Allele origin: unknown.

Quest Diagnostics Nichols Institute San Juan Capistrano
Classification: Uncertain significance. Last evaluated: 2017-01-11. Review status: criteria provided, single submitter. Criteria: Quest Diagnostics criteria. Collection method: clinical testing. Allele origin: germline.

Ambry Genetics
Classification: Likely benign for Hereditary cancer-predisposing syndrome. Last evaluated: 2015-11-03. Review status: criteria provided, single submitter. Criteria: Ambry Variant Classification Scheme 2023. Collection method: clinical testing. Allele origin: germline.

Sharing Clinical Reports Project (SCRP)
Classification: Uncertain significance for Breast-ovarian cancer, familial 2. Last evaluated: 2011-06-02. Review status: no assertion criteria provided. Collection method: clinical testing. Allele origin: germline. Not counted in ClinVar's aggregate classification.

Literature cited by the submitters: PubMed 12845657 (cited by 4 submitters); PubMed 28477318 (cited by Labcorp Genetics (formerly Invitae), Labcorp); PubMed 31214711 (cited by 3 submitters); PubMed 27886673 (cited by 3 submitters); PubMed 30212499 (cited by All of Us Research Program, National Institutes of Health and Color Diagnostics, LLC DBA Color Health).

NM_000059.4(BRCA2):c.8854A>G (p.Met2952Val)

Gene: BRCA2 (BRCA2 DNA repair associated; plus strand). Cytogenetic location: 13q13.1.
Variant type: single nucleotide variant.
Coding change: c.8854A>G on transcript NM_000059.4 (MANE Select); coding-DNA position 8854, A replaced by G.
Protein change: p.Met2952Val; replaces methionine 2952 with valine.
Molecular consequence: missense variant.
Genome position (GRCh38, 1-based): chr13:32,379,416, A>G. VCF-style: chr13-32379416-A-G. GRCh37 (hg19) VCF-style: chr13-32953553-A-G.
Other names: 9082A>G; short protein forms M2952V.
Identifiers: ClinVar variation 52693 (VCV000052693.23), dbSNP rs397508016, ClinGen allele CA025853.